The following is an entry in ClinVar:

NM_000553.6(WRN):c.847A>G (p.Ile283Val)

Gene: WRN (WRN RecQ like helicase; plus strand). Cytogenetic location: 8p12.
Variant type: single nucleotide variant.
Coding change: c.847A>G on transcript NM_000553.6 (MANE Select); coding-DNA position 847, A replaced by G.
Protein change: p.Ile283Val; replaces isoleucine 283 with valine.
Molecular consequence: missense variant.
Genome position (GRCh38, 1-based): chr8:31,080,874, A>G. VCF-style: chr8-31080874-A-G. GRCh37 (hg19) VCF-style: chr8-30938390-A-G.
Other names: short protein forms I283V.
Identifiers: ClinVar variation 528182 (VCV000528182.8), dbSNP rs201643901, ClinGen allele CA4704208.
Genomic context (GRCh38, chr8:31,080,874, plus strand): 5'-CTTGTAGTTAATGCAATTGAAGTTGAATTAATCTTTCTTAATTTTTTTTTTAGGGTTTCT[A>G]TCTTACTAAAGGATATTTCAGAAAATCTATATTCACTGAGGAGGATGATAATTGGGTCTA-3'
Protein context (NP_000544.2, residues 273-293): SKLENPRRVS[Ile283Val]LLKDISENLY

ClinVar aggregate classification (germline): Uncertain significance. Review status: criteria provided, multiple submitters, no conflicts (2 of 4 stars). 2 submissions from 2 submitters: Uncertain significance (2). Last evaluated 2026-01-04.

Conditions:
Werner syndrome (WRN). Identifiers: Orphanet 902, MedGen C0043119, MONDO:0010196, OMIM 277700.
Inborn genetic diseases. Identifiers: MedGen C0950123, MeSH D030342.

Allele frequency attached by ClinVar (database versions not stated): gnomAD exomes 0.00002; ExAC 0.00003; gnomAD 0.00005 and 0.00006; TOPMed 0.00007; ESP Exome Variant Server 0.00016.

Submissions (2):

Labcorp Genetics (formerly Invitae), Labcorp
Classification: Uncertain significance for Werner syndrome. Last evaluated: 2026-01-04. Review status: criteria provided, single submitter. Criteria: Invitae Variant Classification Sherloc (09022015). Collection method: clinical testing. Allele origin: germline.
Comment: This sequence change replaces isoleucine, which is neutral and non-polar, with valine, which is neutral and non-polar, at codon 283 of the WRN protein (p.Ile283Val). This variant is present in population databases (rs201643901, gnomAD 0.007%). This variant has not been reported in the literature in individuals affected with WRN-related conditions. ClinVar contains an entry for this variant (Variation ID: 528182). An algorithm developed to predict the effect of missense changes on protein structure and function outputs the following: PolyPhen-2: "Benign". The valine amino acid residue is found in multiple mammalian species, which suggests that this missense change does not adversely affect protein function. In summary, the available evidence is currently insufficient to determine the role of this variant in disease. Therefore, it has been classified as a Variant of Uncertain Significance.

Ambry Genetics
Classification: Uncertain significance for Inborn genetic diseases. Last evaluated: 2024-04-01. Review status: criteria provided, single submitter. Criteria: Ambry Variant Classification Scheme 2023. Collection method: clinical testing. Allele origin: germline.